The following is an entry in ClinVar:

NM_001711.6(BGN):c.742G>C (p.Asp248His)

Gene: BGN (biglycan; plus strand). Cytogenetic location: Xq28.
Variant type: single nucleotide variant.
Coding change: c.742G>C on transcript NM_001711.6 (MANE Select); coding-DNA position 742, G replaced by C.
Protein change: p.Asp248His; replaces aspartic acid 248 with histidine.
Molecular consequence: missense variant.
Genome position (GRCh38, 1-based): chrX:153,506,895, G>C. VCF-style: chrX-153506895-G-C. GRCh37 (hg19) VCF-style: chrX-152772353-G-C.
Other names: short protein forms D248H.
Identifiers: ClinVar variation 2956934 (VCV002956934.3), dbSNP rs1556993318, ClinGen allele CA415071230.
Genomic context (GRCh38, chrX:153,506,895, plus strand): 5'-CCTGAGACCCTGAATGAACTCCACCTAGACCACAACAAAATCCAGGCCATCGAACTGGAG[G>C]ACCTGCTTCGCTACTCCAAGCTGTACAGGTGAGGCCAGCAGGGCACCGCCCAAGGGTGAT-3'
Protein context (NP_001702.1, residues 238-258): HNKIQAIELE[Asp248His]LLRYSKLYRL

ClinVar aggregate classification (germline): Uncertain significance (1 of 4 stars; one submission).

Allele frequency attached by ClinVar (database versions not stated): gnomAD 0.00001; gnomAD exomes 0.00003.
gnomAD v4.1: 35 of 1,209,882 alleles (0.0029%); highest among the groups gnomAD compares: Non-Finnish European, 0.0036%; no homozygotes.

Submission:

Labcorp Genetics (formerly Invitae), Labcorp
Classification: Uncertain significance. Last evaluated: 2025-11-03. Review status: criteria provided, single submitter. Criteria: Invitae Variant Classification Sherloc (09022015). Collection method: clinical testing. Allele origin: germline.
Comment: This sequence change replaces aspartic acid, which is acidic and polar, with histidine, which is basic and polar, at codon 248 of the BGN protein (p.Asp248His). This variant is present in population databases (no rsID available, gnomAD 0.005%). This variant has not been reported in the literature in individuals affected with BGN-related conditions. ClinVar contains an entry for this variant (Variation ID: 2956934). Invitae Evidence Modeling of protein sequence and biophysical properties (such as structural, functional, and spatial information, amino acid conservation, physicochemical variation, residue mobility, and thermodynamic stability) has been performed for this missense variant. However, the output from this modeling did not meet the statistical confidence thresholds required to predict the impact of this variant on BGN protein function. In summary, the available evidence is currently insufficient to determine the role of this variant in disease. Therefore, it has been classified as a Variant of Uncertain Significance.